The following is an entry in ClinVar:

ClinVar aggregate classification (germline): Uncertain significance (1 of 4 stars; one submission).

Conditions:
Hereditary cancer-predisposing syndrome. Also called: Neoplastic Syndromes, Hereditary; Tumor predisposition; Hereditary Cancer Syndrome; Hereditary neoplastic syndrome. Identifiers: Orphanet 140162, MedGen C0027672, MeSH D009386, MONDO:0015356.

gnomAD v4.1: 1 of 1,613,222 alleles (0.000062%); highest among the groups gnomAD compares: South Asian, 0.0011%; no homozygotes.

Submission:

Ambry Genetics
Classification: Uncertain significance for Hereditary cancer-predisposing syndrome. Last evaluated: 2026-03-30. Review status: criteria provided, single submitter. Criteria: Ambry Variant Classification Scheme 2023. Collection method: clinical testing. Allele origin: germline.
Comment: The p.V735L variant (also known as c.2203G>C), located in coding exon 17 of the POLD1 gene, results from a G to C substitution at nucleotide position 2203. The valine at codon 735 is replaced by leucine, an amino acid with highly similar properties. This amino acid position is conserved. In addition, the in silico prediction for this alteration is inconclusive. Based on the available evidence, the clinical significance of this variant remains unclear.

NM_002691.4(POLD1):c.2203G>C (p.Val735Leu)

Gene: POLD1 (DNA polymerase delta 1, catalytic subunit; plus strand). Cytogenetic location: 19q13.33.
Variant type: single nucleotide variant.
Coding change: c.2203G>C on transcript NM_002691.4 (MANE Select); coding-DNA position 2203, G replaced by C.
Protein change: p.Val735Leu; replaces valine 735 with leucine.
Molecular consequence: missense variant. On other transcripts: non-coding transcript variant (1).
Genome position (GRCh38, 1-based): chr19:50,413,474, G>C. VCF-style: chr19-50413474-G-C. GRCh37 (hg19) VCF-style: chr19-50916731-G-C.
Other names: c.2203G>C, p.Val735Leu (NM_001256849.1, NM_001438212.1, NM_001438213.1); c.2281G>C, p.Val761Leu (NM_001308632.1); c.2131G>C, p.Val711Leu (NM_001438210.1, NM_001438211.1); short protein forms V711L, V735L, V761L.
Identifiers: ClinVar variation 4862170 (VCV004862170.1).
Genomic context (GRCh38, chr19:50,413,474, plus strand): 5'-TCTCCCCGACAGAGCGTCACGGGGTTCGGACGTCAGATGATCGAGAAAACCAAGCAGCTG[G>C]TGGAGTCTAAGTACACAGTGGAGAATGGCTACAGCACCAGTGCCAAGGTCGGGGGCTGCC-3'
Protein context (NP_002682.2, residues 725-745): RQMIEKTKQL[Val735Leu]ESKYTVENGY